The following is an entry in ClinVar:

ClinVar aggregate classification (germline): Uncertain significance (1 of 4 stars; one submission).

Conditions:
Alagille syndrome due to a JAG1 point mutation. Also called: HEPATIC DUCTULAR HYPOPLASIA, SYNDROMATIC; JAG1-Related Alagille Syndrome; Alagille Syndrome 1. Identifiers: Orphanet 261619, Orphanet 52, MedGen C1956125, MONDO:0016862, OMIM 118450.

Submission:

Labcorp Genetics (formerly Invitae), Labcorp
Classification: Uncertain significance for Alagille syndrome due to a JAG1 point mutation. Last evaluated: 2022-06-17. Review status: criteria provided, single submitter. Criteria: Invitae Variant Classification Sherloc (09022015). Collection method: clinical testing. Allele origin: germline.
Comment: A copy number gain of the genomic region encompassing the full coding sequence of the JAG1 gene has been identified. The boundaries of this event are unknown as they extend beyond the assayed region for this gene and therefore may encompass additional genes. As the precise location of this event is unknown, it may be in tandem or it may be located elsewhere in the genome. Isolated whole-gene copy number gains of JAG1 have not been reported in the literature. However, larger copy number events that include this gene have been reported (PMID: 32733715). Experimental studies and prediction algorithms are not available or were not evaluated, and the functional significance of this variant is currently unknown. In summary, the available evidence is currently insufficient to determine the role of this variant in disease. Therefore, it has been classified as a Variant of Uncertain Significance.

Literature cited by the submitters: PubMed 32733715.

NC_000020.10:g.(?_7812350)_(10654278_?)dup

Genes: SLX4IP (SLX4 interacting protein; plus strand), SNAP25 (synaptosome associated protein 25; plus strand), TMX4 (thioredoxin related transmembrane protein 4; minus strand), PLCB4 (phospholipase C beta 4; plus strand), ANKEF1 (ankyrin repeat and EF-hand domain containing 1; plus strand) and 6 more. Cytogenetic location: 20p12.3-12.2.
Variant type: Duplication.
Identifiers: ClinVar variation 1440938 (VCV001440938.40).